The following is an entry in ClinVar:

NM_177987.3(TUBB8):c.277+2T>C

Gene: TUBB8 (tubulin beta 8 class VIII; minus strand). Cytogenetic location: 10p15.3.
Variant type: single nucleotide variant.
Coding change: c.277+2T>C on transcript NM_177987.3 (MANE Select); the canonical splice donor site of the intron after coding-DNA position 277, T replaced by C.
Molecular consequence: splice donor variant.
Genome position (GRCh38, 1-based): chr10:48,613, A>G on the plus strand (T>C on the coding strand, the complement: TUBB8 is on the minus strand). VCF-style: chr10-48613-A-G. GRCh37 (hg19) VCF-style: chr10-94553-A-G.
Other names: c.61+2T>C (NM_001389618.1, NM_001389619.1).
Identifiers: ClinVar variation 3383162 (VCV003383162.2).

ClinVar aggregate classification (germline): Uncertain significance (1 of 4 stars; one submission).

Conditions:
Oocyte maturation defect 2 (OZEMA2). Also called: OOCYTE/ZYGOTE/EMBRYO MATURATION ARREST 2. Identifiers: MedGen C4225210, MONDO:0021573, OMIM 616780.

Submission:

Juno Genomics, Hangzhou Juno Genomics, Inc
Classification: Uncertain significance for Oocyte maturation defect 2. Review status: criteria provided, single submitter. Criteria: ACMG Guidelines, 2015. Collection method: clinical testing. Allele origin: germline. Affected: yes.
Comment: Null variant in a gene where loss of function (LOF) is a known mechanism of disease.;Absent from controls (or at extremely low frequency if recessive) in Genome Aggregation Database, Exome Sequencing Project, 1000 Genomes Project, or Exome Aggregation Consortium.;Patient's phenotype or family history is highly specific for a disease with a single genetic etiology.